The following is an entry in ClinVar:

NM_006206.6(PDGFRA):c.1491C>G (p.Ile497Met)

Gene: PDGFRA (platelet derived growth factor receptor alpha; plus strand). Cytogenetic location: 4q12.
Variant type: single nucleotide variant.
Coding change: c.1491C>G on transcript NM_006206.6 (MANE Select); coding-DNA position 1491, C replaced by G.
Protein change: p.Ile497Met; replaces isoleucine 497 with methionine.
Molecular consequence: missense variant.
Genome position (GRCh38, 1-based): chr4:54,273,663, C>G. VCF-style: chr4-54273663-C-G. GRCh37 (hg19) VCF-style: chr4-55139830-C-G.
Other names: c.1491C>G, p.Ile497Met (NM_001347827.2, NM_001347829.2); c.1566C>G, p.Ile522Met (NM_001347828.2); c.1530C>G, p.Ile510Met (NM_001347830.2); short protein forms I510M, I522M, I497M.
Identifiers: ClinVar variation 3305475 (VCV003305475.1).

ClinVar aggregate classification (germline): Uncertain significance (1 of 4 stars; one submission).

Conditions:
Hereditary cancer-predisposing syndrome. Also called: Tumor predisposition; Hereditary Cancer Syndrome; Hereditary neoplastic syndrome; Neoplastic Syndromes, Hereditary. Identifiers: Orphanet 140162, MedGen C0027672, MeSH D009386, MONDO:0015356.

Submission:

Ambry Genetics
Classification: Uncertain significance for Hereditary cancer-predisposing syndrome. Last evaluated: 2024-04-16. Review status: criteria provided, single submitter. Criteria: Ambry Variant Classification Scheme 2023. Collection method: clinical testing. Allele origin: germline.
Comment: The p.I497M variant (also known as c.1491C>G), located in coding exon 9 of the PDGFRA gene, results from a C to G substitution at nucleotide position 1491. The isoleucine at codon 497 is replaced by methionine, an amino acid with highly similar properties. This amino acid position is conserved. In addition, this alteration is predicted to be tolerated by in silico analysis. Based on the available evidence, the clinical significance of this variant remains unclear.